The following is an entry in ClinVar:

NM_004329.3(BMPR1A):c.1379T>C (p.Met460Thr)

Gene: BMPR1A (bone morphogenetic protein receptor type 1A; plus strand). Cytogenetic location: 10q23.2.
Variant type: single nucleotide variant.
Coding change: c.1379T>C on transcript NM_004329.3 (MANE Select); coding-DNA position 1379, T replaced by C.
Protein change: p.Met460Thr; replaces methionine 460 with threonine.
Molecular consequence: missense variant.
Genome position (GRCh38, 1-based): chr10:86,923,412, T>C. VCF-style: chr10-86923412-T-C. GRCh37 (hg19) VCF-style: chr10-88683169-T-C.
Other names: short protein forms M460T.
Identifiers: ClinVar variation 185192 (VCV000185192.24), dbSNP rs758309022, ClinGen allele CA191275.

ClinVar aggregate classification (germline): Conflicting classifications of pathogenicity. Review status: criteria provided, conflicting classifications (1 of 4 stars). 6 submissions from 6 submitters: Uncertain significance (4); Benign (1); Likely benign (1). Last evaluated 2026-01-18.

Conditions:
Juvenile polyposis syndrome (JPS). Identifiers: Orphanet 2929, MedGen C0345893, MONDO:0017380, OMIM 174900.
Generalized juvenile polyposis/juvenile polyposis coli. Also called: Juvenile polyposis coli. Identifiers: Orphanet 329971, MedGen C1868081, MONDO:0008276.
Polyposis syndrome, hereditary mixed, 2. Identifiers: Orphanet 157794, MedGen C1864730, MONDO:0012405, OMIM 610069.
Hereditary cancer-predisposing syndrome. Also called: Tumor predisposition; Hereditary Cancer Syndrome; Hereditary neoplastic syndrome; Neoplastic Syndromes, Hereditary. Identifiers: Orphanet 140162, MedGen C0027672, MeSH D009386, MONDO:0015356.

Allele frequency attached by ClinVar (database versions not stated): gnomAD 0.00001; gnomAD exomes 0.00001 and 0.00003; TOPMed 0.00001; ExAC 0.00006.
gnomAD v4.1: 13 of 1,614,070 alleles (0.00081%); highest among the groups gnomAD compares: Non-Finnish European, 0.00093%; no homozygotes.

Submissions (6):

Labcorp Genetics (formerly Invitae), Labcorp
Classification: Uncertain significance for Juvenile polyposis syndrome. Last evaluated: 2026-01-18. Review status: criteria provided, single submitter. Criteria: Invitae Variant Classification Sherloc (09022015). Collection method: clinical testing. Allele origin: germline.
Comment: This sequence change replaces methionine, which is neutral and non-polar, with threonine, which is neutral and polar, at codon 460 of the BMPR1A protein (p.Met460Thr). This variant is present in population databases (rs758309022, gnomAD 0.007%). This missense change has been observed in individual(s) with BMPR1A-related conditions (PMID: 25860647). ClinVar contains an entry for this variant (Variation ID: 185192). Invitae Evidence Modeling incorporating data from in vitro experimental studies (internal data) indicates that this missense variant is not expected to disrupt BMPR1A function with a negative predictive value of 95%. In summary, the available evidence is currently insufficient to determine the role of this variant in disease. Therefore, it has been classified as a Variant of Uncertain Significance.

Color Diagnostics, LLC DBA Color Health
Classification: Likely benign for Hereditary cancer-predisposing syndrome. Last evaluated: 2025-09-17. Review status: criteria provided, single submitter. Criteria: ACMG Guidelines, 2015. Collection method: clinical testing. Allele origin: germline.

All of Us Research Program, National Institutes of Health
Classification: Uncertain significance for Juvenile polyposis syndrome. Last evaluated: 2023-05-16. Review status: criteria provided, single submitter. Criteria: ACMG Guidelines, 2015. Collection method: clinical testing. Allele origin: germline. Inheritance: Autosomal dominant inheritance. Observed: 1 variant allele, 1 heterozygote.
Comment: This missense variant replaces methionine with threonine at codon 460 of the BMPR1A protein. Computational prediction suggests that this variant may not impact protein structure and function (internally defined REVEL score threshold <= 0.5, PMID: 27666373). To our knowledge, functional studies have not been reported for this variant. This variant has been reported in an individuals affected with a tubular adenoma, a hyperplastic polyp and a rectal neuroendocrine tumour (PMID: 25860647). This variant has been identified in 8/251492 chromosomes in the general population by the Genome Aggregation Database (gnomAD). The available evidence is insufficient to determine the role of this variant in disease conclusively. Therefore, this variant is classified as a Variant of Uncertain Significance.

This study involves interpretation of variants in research participants for the purpose of population health screening. Participant phenotype was not available at the time of variant classification. Additional details can be found in publication PMID: 35346344, PMCID: PMC8962531

Ambry Genetics
Classification: Benign for Hereditary cancer-predisposing syndrome. Last evaluated: 2021-06-18. Review status: criteria provided, single submitter. Criteria: Ambry Variant Classification Scheme 2023. Collection method: clinical testing. Allele origin: germline.

Fulgent Genetics
Classification: Uncertain significance for Juvenile polyposis syndrome; Polyposis syndrome, hereditary mixed, 2. Last evaluated: 2018-10-31. Review status: criteria provided, single submitter. Criteria: ACMG Guidelines, 2015. Collection method: clinical testing. Allele origin: unknown.

GeneDx
Classification: Uncertain significance. Last evaluated: 2016-09-14. Review status: criteria provided, single submitter. Criteria: GeneDx Variant Classification (06012015). Collection method: clinical testing. Allele origin: germline. Affected: yes.
Comment: This variant is denoted BMPR1A c.1379T>C at the cDNA level, p.Met460Thr (M460T) at the protein level, and results in the change of a Methionine to a Threonine (ATG>ACG). This variant was reported in an individual with a history of tubular adenoma, hyperplastic polyp, and rectal neuroendocrine tumor, however, the variant did not segregate with cancer nor polyposis in the large pedigree (Hansen 2015). BMPR1A Met460Thr was not observed in approximately 6,500 individuals of European and African American ancestry in the NHLBI Exome Sequencing Project, suggesting it is not a common benign variant in these populations. Since Methionine and Threonine differ in polarity, charge, size or other properties, this is considered a non-conservative amino acid substitution. BMPR1A Met460Thr occurs at a position where amino acids with properties similar to Methionine are tolerated across species and is located in the Protein kinase and IC domain (Howe 2004). In silico analyses are inconsistent regarding the effect this variant may have on protein structure and function. Based on currently available evidence, it is unclear whether BMPR1A Met460Thr is a pathogenic or benign variant. We consider it to be a variant of uncertain significance.

Literature cited by the submitters: PubMed 25860647 (cited by 3 submitters).